The following is an entry in ClinVar:

ClinVar aggregate classification (germline): Uncertain significance (1 of 4 stars; one submission).

Conditions:
DYRK1A-related intellectual disability syndrome (MRD7). Also called: DYRK1A Syndrome; Intellectual developmental disorder, autosomal dominant 7. Identifiers: Orphanet 464306, MedGen C5568143, MONDO:0013578, OMIM 614104.

Submission:

Labcorp Genetics (formerly Invitae), Labcorp
Classification: Uncertain significance for DYRK1A-related intellectual disability syndrome. Last evaluated: 2020-02-02. Review status: criteria provided, single submitter. Criteria: Invitae Variant Classification Sherloc (09022015). Collection method: clinical testing. Allele origin: germline.
Comment: This sequence change replaces glutamine with glutamic acid at codon 560 of the DYRK1A protein (p.Gln560Glu). The glutamine residue is highly conserved and there is a small physicochemical difference between glutamine and glutamic acid. This variant is not present in population databases (ExAC no frequency). This variant has not been reported in the literature in individuals with DYRK1A-related conditions. Algorithms developed to predict the effect of missense changes on protein structure and function (SIFT, PolyPhen-2, Align-GVGD) all suggest that this variant is likely to be tolerated, but these predictions have not been confirmed by published functional studies and their clinical significance is uncertain. In summary, the available evidence is currently insufficient to determine the role of this variant in disease. Therefore, it has been classified as a Variant of Uncertain Significance.

NM_001347721.2(DYRK1A):c.1651C>G (p.Gln551Glu)

Gene: DYRK1A (dual specificity tyrosine phosphorylation regulated kinase 1A; plus strand). Cytogenetic location: 21q22.13.
Variant type: single nucleotide variant.
Coding change: c.1651C>G on transcript NM_001347721.2 (MANE Select); coding-DNA position 1651, C replaced by G.
Protein change: p.Gln551Glu; replaces glutamine 551 with glutamic acid.
Molecular consequence: missense variant. On other transcripts: nonsense (1), 3 prime UTR variant (1).
Genome position (GRCh38, 1-based): chr21:37,511,917, C>G. VCF-style: chr21-37511917-C-G. GRCh37 (hg19) VCF-style: chr21-38884220-C-G.
Other names: c.1553C>G, p.Ser518Ter (NM_130438.2); c.1651C>G, p.Gln551Glu (NM_001347722.2, NM_130436.2); c.1564C>G, p.Gln522Glu (NM_001347723.2); c.1678C>G, p.Gln560Glu (NM_001396.5); c.*54C>G (NM_101395.2); short protein forms Q522E, Q551E, Q560E, S518*.
Identifiers: ClinVar variation 1057141 (VCV001057141.10), dbSNP rs1555994475, ClinGen allele CA409939259.
Genomic context (GRCh38, chr21:37,511,917, plus strand): 5'-TTAAAGCTTGGAAACAGTCCTCTGAAAAATCCTTTTAAAAATCTGTTCTTTCAGGTGCGT[C>G]AGCAATTTCCTGCTCCTCTTGGTTGGTCAGGCACTGAAGCTCCTACACAGGTCACTGTTG-3'
Protein context (NP_001334650.1, residues 541-561): DCETHSPQVR[Gln551Glu]QFPAPLGWSG